The following is an entry in ClinVar:

NM_001458.5(FLNC):c.3799C>G (p.Arg1267Gly)

Gene: FLNC (filamin C; plus strand). Cytogenetic location: 7q32.1.
Variant type: single nucleotide variant.
Coding change: c.3799C>G on transcript NM_001458.5 (MANE Select); coding-DNA position 3799, C replaced by G.
Protein change: p.Arg1267Gly; replaces arginine 1267 with glycine.
Molecular consequence: missense variant.
Genome position (GRCh38, 1-based): chr7:128,845,998, C>G. VCF-style: chr7-128845998-C-G. GRCh37 (hg19) VCF-style: chr7-128486052-C-G.
Other names: c.3799C>G, p.Arg1267Gly (NM_001127487.2); short protein forms R1267G.
Identifiers: ClinVar variation 930952 (VCV000930952.6), dbSNP rs371483562, ClinGen allele CA4475146.

ClinVar aggregate classification (germline): Uncertain significance. Review status: criteria provided, multiple submitters, no conflicts (2 of 4 stars). 2 submissions from 2 submitters: Uncertain significance (2). Last evaluated 2025-12-31.

Conditions:
Hypertrophic cardiomyopathy 26. Also called: Cardiomyopathy, familial hypertrophic, 26. Identifiers: Orphanet 75249, MedGen C4310749, MONDO:0014883, OMIM 617047.
Distal myopathy with posterior leg and anterior hand involvement. Also called: WILLIAMS DISTAL MYOPATHY. Identifiers: Orphanet 63273, MedGen C3279722, MONDO:0013550, OMIM 614065.
Myofibrillar myopathy 5. Also called: Filaminopathy (type); FILAMINOPATHY, AUTOSOMAL DOMINANT. Identifiers: Orphanet 171445, MedGen C1836050, MONDO:0012289, OMIM 609524.

Allele frequency attached by ClinVar (database versions not stated): TOPMed 0.00001.
gnomAD v4.1: 6 of 1,613,554 alleles (0.00037%); highest among the groups gnomAD compares: Non-Finnish European, 0.00051%; no homozygotes.

Submissions (2):

Labcorp Genetics (formerly Invitae), Labcorp
Classification: Uncertain significance for Distal myopathy with posterior leg and anterior hand involvement; Myofibrillar myopathy 5; Hypertrophic cardiomyopathy 26. Last evaluated: 2025-12-31. Review status: criteria provided, single submitter. Criteria: Invitae Variant Classification Sherloc (09022015). Collection method: clinical testing. Allele origin: germline.
Comment: This sequence change replaces arginine, which is basic and polar, with glycine, which is neutral and non-polar, at codon 1267 of the FLNC protein (p.Arg1267Gly). This variant is present in population databases (rs371483562, gnomAD 0.0009%). This missense change has been observed in individual(s) with hypertrophic cardiomyopathy (PMID: 36286284). ClinVar contains an entry for this variant (Variation ID: 930952). Invitae Evidence Modeling of protein sequence and biophysical properties (such as structural, functional, and spatial information, amino acid conservation, physicochemical variation, residue mobility, and thermodynamic stability) has been performed for this missense variant. However, the output from this modeling did not meet the statistical confidence thresholds required to predict the impact of this variant on FLNC protein function. In summary, the available evidence is currently insufficient to determine the role of this variant in disease. Therefore, it has been classified as a Variant of Uncertain Significance.

Centre for Mendelian Genomics, University Medical Centre Ljubljana
Classification: Uncertain significance for Hypertrophic cardiomyopathy 26. Last evaluated: 2020-03-17. Review status: criteria provided, single submitter. Criteria: ACMG Guidelines, 2015. Collection method: clinical testing. Allele origin: unknown. Affected: yes.
Comment: This variant was classified as: Uncertain significance. The available evidence on this variant's pathogenicity is insufficient or conflicting. The following ACMG criteria were applied in classifying this variant: PM2,PP3.

Literature cited by the submitters: PubMed 36286284 (cited by Labcorp Genetics (formerly Invitae), Labcorp).